The following is an entry in ClinVar:

ClinVar aggregate classification (germline): Uncertain significance. Review status: criteria provided, single submitter (1 of 4 stars). 2 submissions from 2 submitters: Uncertain significance (1). 1 of the submissions does not count toward it. Last evaluated 2022-09-07.

Conditions:
Fanconi anemia (FA). Also called: Fanconi's anemia. Identifiers: Orphanet 84, MedGen C0015625, MeSH D005199, MONDO:0019391.

Allele frequency attached by ClinVar (database versions not stated): gnomAD 0.00001; TOPMed 0.00004; gnomAD exomes 0.00002.
gnomAD v4.1: 10 of 1,613,038 alleles (0.00062%); highest among the groups gnomAD compares: Admixed American, 0.015%; no homozygotes.

Submissions (2):

Labcorp Genetics (formerly Invitae), Labcorp
Classification: Uncertain significance for Fanconi anemia. Last evaluated: 2022-09-07. Review status: criteria provided, single submitter. Criteria: Invitae Variant Classification Sherloc (09022015). Collection method: clinical testing. Allele origin: germline.
Comment: This sequence change replaces leucine, which is neutral and non-polar, with phenylalanine, which is neutral and non-polar, at codon 1134 of the FANCD2 protein (p.Leu1134Phe). This variant is present in population databases (rs587778332, gnomAD 0.01%). This variant has not been reported in the literature in individuals affected with FANCD2-related conditions. ClinVar contains an entry for this variant (Variation ID: 134323). Algorithms developed to predict the effect of missense changes on protein structure and function are either unavailable or do not agree on the potential impact of this missense change (SIFT: "Deleterious"; PolyPhen-2: "Possibly Damaging"; Align-GVGD: "Class C0"). In summary, the available evidence is currently insufficient to determine the role of this variant in disease. Therefore, it has been classified as a Variant of Uncertain Significance.

ITMI
No classification provided. Condition: AllHighlyPenetrant. Last evaluated: 2013-09-19. Review status: no classification provided. Collection method: reference population. Allele origin: germline. Not counted in ClinVar's aggregate classification.
Comment: Please see associated publication for description of ethnicities

Literature cited by the submitters: PubMed 24728327 (cited by ITMI).

NM_001018115.3(FANCD2):c.3400C>T (p.Leu1134Phe)

Genes: FANCD2 (FA complementation group D2; plus strand), FANCD2OS (FANCD2 opposite strand; minus strand). Cytogenetic location: 3p25.3.
Variant type: single nucleotide variant.
Coding change: c.3400C>T on transcript NM_001018115.3 (MANE Select); coding-DNA position 3400, C replaced by T.
Protein change: p.Leu1134Phe; replaces leucine 1134 with phenylalanine.
Molecular consequence: missense variant. On other transcripts: intron variant (1).
Genome position (GRCh38, 1-based): chr3:10,087,198, C>T. VCF-style: chr3-10087198-C-T. GRCh37 (hg19) VCF-style: chr3-10128882-C-T.
Other names: c.*44-5667G>A (NM_173472.2); c.3400C>T, p.Leu1134Phe (NM_001319984.2, NM_001374254.1, NM_033084.6); c.3289C>T, p.Leu1097Phe (NM_001374253.1); short protein forms L1134F, L1097F.
Identifiers: ClinVar variation 134323 (VCV000134323.7), dbSNP rs587778332, ClinGen allele CA159488.